The following is an entry in ClinVar:

NM_001292063.2(OTOG):c.1184A>C (p.Gln395Pro)

Gene: OTOG (otogelin; plus strand). Cytogenetic location: 11p15.1.
Variant type: single nucleotide variant.
Coding change: c.1184A>C on transcript NM_001292063.2 (MANE Select); coding-DNA position 1184, A replaced by C.
Protein change: p.Gln395Pro; replaces glutamine 395 with proline.
Molecular consequence: missense variant.
Genome position (GRCh38, 1-based): chr11:17,559,132, A>C. VCF-style: chr11-17559132-A-C. GRCh37 (hg19) VCF-style: chr11-17580679-A-C.
Other names: c.1220A>C, p.Gln407Pro (NM_001277269.2); short protein forms Q407P, Q395P.
Identifiers: ClinVar variation 229084 (VCV000229084.18), dbSNP rs876657936, ClinGen allele CA10576856.

ClinVar aggregate classification (germline): Conflicting classifications of pathogenicity. Review status: criteria provided, conflicting classifications (1 of 4 stars). 5 submissions from 5 submitters: Uncertain significance (3); Likely benign (1). 1 of the submissions does not count toward it. Last evaluated 2025-12-12.

Conditions:
OTOG-related disorder. Also called: OTOG-related condition.
Autosomal recessive nonsyndromic hearing loss 18B. Also called: Deafness, autosomal recessive 18b. Identifiers: Orphanet 90636, MedGen C3554163, MONDO:0013985, OMIM 614945.

Allele frequency attached by ClinVar (database versions not stated): gnomAD 0.00019 and 0.00020; TOPMed 0.00034; gnomAD exomes 0.00068.
gnomAD v4.1: 179 of 1,541,236 alleles (0.012%); highest among the groups gnomAD compares: Admixed American, 0.28%; 1 homozygote.

Submissions (5):

Labcorp Genetics (formerly Invitae), Labcorp
Classification: Likely benign. Last evaluated: 2025-12-12. Review status: criteria provided, single submitter. Criteria: Invitae Variant Classification Sherloc (09022015). Collection method: clinical testing. Allele origin: germline.

GeneDx
Classification: Uncertain significance. Last evaluated: 2021-09-08. Review status: criteria provided, single submitter. Criteria: GeneDx Variant Classification Process June 2021. Collection method: clinical testing. Allele origin: germline. Affected: yes.
Comment: In silico analysis, which includes protein predictors and evolutionary conservation, supports a deleterious effect; Has not been previously published as pathogenic or benign to our knowledge

Fulgent Genetics
Classification: Uncertain significance for Autosomal recessive nonsyndromic hearing loss 18B. Last evaluated: 2018-10-31. Review status: criteria provided, single submitter. Criteria: ACMG Guidelines, 2015. Collection method: clinical testing. Allele origin: unknown.

Laboratory for Molecular Medicine, Mass General Brigham Personalized Medicine
Classification: Uncertain significance. Last evaluated: 2016-01-21. Review status: criteria provided, single submitter. Criteria: LMM Criteria. Collection method: clinical testing. Allele origin: germline. Observed: 1 variant allele.
Comment: The p.Gln407Pro variant in OTOG has not been previously reported in individuals with hearing loss. Data from large population studies are insufficient to assess the frequency of this variant. Computational prediction tools and conservation analysis do not provide strong support for or against an impact to the protein. In summary, the clinical significance of the p.Gln407Pro variant is uncertain.

PreventionGenetics, part of Exact Sciences
Classification: Likely benign for OTOG-related condition. Last evaluated: 2023-04-05. Review status: no assertion criteria provided. Collection method: clinical testing. Allele origin: germline. Not counted in ClinVar's aggregate classification.
Comment: This variant is classified as likely benign based on ACMG/AMP sequence variant interpretation guidelines (Richards et al. 2015 PMID: 25741868, with internal and published modifications).